The following is an entry in ClinVar:

ClinVar aggregate classification (germline): Pathogenic (1 of 4 stars; one submission).

Submission:

Labcorp Genetics (formerly Invitae), Labcorp
Classification: Pathogenic. Last evaluated: 2025-12-19. Review status: criteria provided, single submitter. Criteria: Invitae Variant Classification Sherloc (09022015). Collection method: clinical testing. Allele origin: germline.
Comment: This sequence change creates a premature translational stop signal (p.Val610Serfs*6) in the SLC4A1 gene. It is expected to result in an absent or disrupted protein product. Loss-of-function variants in SLC4A1 are known to be pathogenic (PMID: 8943874, 10926824, 23255290). This variant is not present in population databases (gnomAD no frequency). This variant has not been reported in the literature in individuals affected with SLC4A1-related conditions. For these reasons, this variant has been classified as Pathogenic.

Literature cited by the submitters: PubMed 8943874; PubMed 10926824; PubMed 23255290.

NM_000342.4(SLC4A1):c.1828del (p.Val610fs)

Gene: SLC4A1 (solute carrier family 4 member 1 (Diego blood group); minus strand). Cytogenetic location: 17q21.31.
Variant type: Deletion.
Coding change: c.1828del on transcript NM_000342.4 (MANE Select); coding-DNA position 1828, one base deleted (G; older notation c.1828delG).
Protein change: p.Val610fs; shifts the reading frame from valine 610.
Molecular consequence: frameshift variant.
Genome position (GRCh38, 1-based): chr17:44,255,269, C deleted on the plus strand (G on the coding strand, the reverse complement: SLC4A1 is on the minus strand); the first of 4 consecutive C bases (chr17:44,255,269-44,255,272); deleting any one gives the same sequence. VCF-style (leftmost placement, unchanged base first): chr17-44255268-AC-A. GRCh37 (hg19) VCF-style: chr17-42332636-AC-A.
Other names: short protein forms V610fs.
Identifiers: ClinVar variation 4733620 (VCV004733620.1).